The following is an entry in ClinVar:

NM_018060.4(IARS2):c.1066+1G>T

Gene: IARS2 (isoleucyl-tRNA synthetase 2, mitochondrial; plus strand). Cytogenetic location: 1q41.
Variant type: single nucleotide variant.
Coding change: c.1066+1G>T on transcript NM_018060.4 (MANE Select); the canonical splice donor site of the intron after coding-DNA position 1066, G replaced by T.
Molecular consequence: splice donor variant.
Genome position (GRCh38, 1-based): chr1:220,103,563, G>T. VCF-style: chr1-220103563-G-T. GRCh37 (hg19) VCF-style: chr1-220276905-G-T.
Identifiers: ClinVar variation 4734907 (VCV004734907.1).

ClinVar aggregate classification (germline): Likely pathogenic (1 of 4 stars; one submission).

Submission:

Labcorp Genetics (formerly Invitae), Labcorp
Classification: Likely pathogenic. Last evaluated: 2026-01-15. Review status: criteria provided, single submitter. Criteria: Invitae Variant Classification Sherloc (09022015). Collection method: clinical testing. Allele origin: germline.
Comment: This sequence change affects a donor splice site in intron 8 of the IARS2 gene. It is expected to disrupt RNA splicing. Variants that disrupt the donor or acceptor splice site typically lead to a loss of protein function (PMID: 16199547), and loss-of-function variants in IARS2 are known to be pathogenic (PMID: 33327715). This variant is not present in population databases (gnomAD no frequency). This variant has not been reported in the literature in individuals affected with IARS2-related conditions. Algorithms developed to predict the effect of sequence changes on RNA splicing suggest that this variant may disrupt the consensus splice site. In summary, the currently available evidence indicates that the variant is pathogenic, but additional data are needed to prove that conclusively. Therefore, this variant has been classified as Likely Pathogenic.

Literature cited by the submitters: PubMed 16199547; PubMed 33327715.